The following is an entry in ClinVar:

ClinVar aggregate classification (germline): Uncertain significance (1 of 4 stars; one submission).

Submission:

GeneDx
Classification: Uncertain significance. Last evaluated: 2024-12-06. Review status: criteria provided, single submitter. Criteria: GeneDx Variant Classification Process June 2021. Collection method: clinical testing. Allele origin: germline. Affected: yes.
Comment: Not observed at significant frequency in large population cohorts (gnomAD); In silico analysis indicates that this missense variant does not alter protein structure/function; Has not been previously published as pathogenic or benign to our knowledge

NM_080552.3(SLC32A1):c.1324T>A (p.Phe442Ile)

Gene: SLC32A1 (solute carrier family 32 member 1; plus strand). Cytogenetic location: 20q11.23.
Variant type: single nucleotide variant.
Coding change: c.1324T>A on transcript NM_080552.3 (MANE Select); coding-DNA position 1324, T replaced by A.
Protein change: p.Phe442Ile; replaces phenylalanine 442 with isoleucine.
Molecular consequence: missense variant.
Genome position (GRCh38, 1-based): chr20:38,728,385, T>A. VCF-style: chr20-38728385-T-A. GRCh37 (hg19) VCF-style: chr20-37357028-T-A.
Other names: short protein forms F442I.
Identifiers: ClinVar variation 3901721 (VCV003901721.1).